The following is an entry in ClinVar:

ClinVar aggregate classification (germline): Benign/Likely benign. Review status: criteria provided, multiple submitters, no conflicts (2 of 4 stars). 8 submissions from 8 submitters: Benign (2); Likely benign (3). 3 of the submissions do not count toward it. Last evaluated 2026-02-01.

Conditions:
DOCK6-related disorder. Also called: DOCK6-related condition.

Allele frequency attached by ClinVar (database versions not stated): ExAC 0.00236; 1000 Genomes Project 0.00379; gnomAD 0.00413 and 0.00446; TOPMed 0.00434; 1000 Genomes Project 30x 0.00437; ESP Exome Variant Server 0.00493.

Submissions (8):

Labcorp Genetics (formerly Invitae), Labcorp
Classification: Benign. Last evaluated: 2026-02-01. Review status: criteria provided, single submitter. Criteria: Invitae Variant Classification Sherloc (09022015). Collection method: clinical testing. Allele origin: germline.

CeGaT Center for Human Genetics Tuebingen
Classification: Benign. Last evaluated: 2024-02-01. Review status: criteria provided, single submitter. Criteria: CeGaT Center For Human Genetics Tuebingen Variant Classification Criteria Version 2. Collection method: clinical testing. Allele origin: germline. Affected: yes. Observed: 1 variant allele.
Comment: DOCK6: BS1, BS2

GeneDx
Classification: Likely benign. Last evaluated: 2020-10-13. Review status: criteria provided, single submitter. Criteria: GeneDx Variant Classification Process June 2021. Collection method: clinical testing. Allele origin: germline. Affected: yes.

Center for Pediatric Genomic Medicine, Children's Mercy Hospital and Clinics
Classification: Likely benign. Last evaluated: 2017-01-05. Review status: criteria provided, single submitter. Criteria: ACMG Guidelines, 2015. Collection method: clinical testing. Allele origin: germline.
ClinVar note: Converted during submission from Likely Benign to Likely benign.

Breakthrough Genomics
Classification: Likely benign. Review status: criteria provided, single submitter. Criteria: ACMG Guidelines, 2015. Collection method: not provided. Allele origin: germline. Inheritance: Autosomal recessive inheritance. Affected: yes.

PreventionGenetics, part of Exact Sciences
Classification: Benign for DOCK6-related condition. Last evaluated: 2019-08-08. Review status: no assertion criteria provided. Collection method: clinical testing. Allele origin: germline. Not counted in ClinVar's aggregate classification.
Comment: This variant is classified as benign based on ACMG/AMP sequence variant interpretation guidelines (Richards et al. 2015 PMID: 25741868, with internal and published modifications).

Clinical Genetics DNA and cytogenetics Diagnostics Lab, Erasmus MC, Erasmus Medical Center
Classification: Benign. Review status: no assertion criteria provided. Collection method: clinical testing. Allele origin: germline. Affected: yes. Study: VKGL Data-share Consensus. Not counted in ClinVar's aggregate classification.

Laboratory of Diagnostic Genome Analysis, Leiden University Medical Center (LUMC)
Classification: Likely benign. Review status: no assertion criteria provided. Collection method: clinical testing. Allele origin: germline. Affected: yes. Study: VKGL Data-share Consensus. Not counted in ClinVar's aggregate classification.

NM_020812.4(DOCK6):c.434G>A (p.Arg145Gln)

Gene: DOCK6 (dedicator of cytokinesis 6; minus strand). Cytogenetic location: 19p13.2.
Variant type: single nucleotide variant.
Coding change: c.434G>A on transcript NM_020812.4 (MANE Select); coding-DNA position 434, G replaced by A.
Protein change: p.Arg145Gln; replaces arginine 145 with glutamine.
Molecular consequence: missense variant.
Genome position (GRCh38, 1-based): chr19:11,252,192, C>T on the plus strand (G>A on the coding strand, the complement: DOCK6 is on the minus strand). VCF-style: chr19-11252192-C-T. GRCh37 (hg19) VCF-style: chr19-11362868-C-T.
Other names: c.434G>A, p.Arg145Gln (NM_001367830.1); short protein forms R145Q.
Identifiers: ClinVar variation 376838 (VCV000376838.39), dbSNP rs140883567, ClinGen allele CA9208495.